The following is an entry in ClinVar:

ClinVar aggregate classification (germline): Uncertain significance (1 of 4 stars; one submission).

Conditions:
Loeys-Dietz syndrome 2 (LDS2). Also called: Marfan Syndrome type 2; Marfan like connective tissue disorder; MFS 2; TGFBR2-Related Loeys-Dietz Syndrome; Marfan syndrome, type 2 (formerly); AORTIC ANEURYSM, FAMILIAL THORACIC 3. Identifiers: Orphanet 284973, Orphanet 558, MedGen C2674574, MONDO:0012427, OMIM 610168.

Submission:

Labcorp Genetics (formerly Invitae), Labcorp
Classification: Uncertain significance for Loeys-Dietz syndrome 2. Last evaluated: 2024-04-30. Review status: criteria provided, single submitter. Criteria: Invitae Variant Classification Sherloc (09022015). Collection method: clinical testing. Allele origin: germline.
Comment: This sequence change replaces glutamine, which is neutral and polar, with histidine, which is basic and polar, at codon 581 of the TMPO protein (p.Gln581His). This variant is not present in population databases (gnomAD no frequency). This variant has not been reported in the literature in individuals affected with TMPO-related conditions. Advanced modeling of protein sequence and biophysical properties (such as structural, functional, and spatial information, amino acid conservation, physicochemical variation, residue mobility, and thermodynamic stability) performed at Invitae indicates that this missense variant is not expected to disrupt TMPO protein function with a negative predictive value of 80%. In summary, the available evidence is currently insufficient to determine the role of this variant in disease. Therefore, it has been classified as a Variant of Uncertain Significance.

NM_001032283.3(TMPO):c.565+2162G>C

Gene: TMPO (thymopoietin; plus strand). Cytogenetic location: 12q23.1.
Variant type: single nucleotide variant.
Coding change: c.565+2162G>C on transcript NM_001032283.3 (MANE Select); 2162 bases into the intron after coding-DNA position 565, G replaced by C.
Molecular consequence: intron variant. On other transcripts: missense variant (1).
Genome position (GRCh38, 1-based): chr12:98,534,000, G>C. VCF-style: chr12-98534000-G-C. GRCh37 (hg19) VCF-style: chr12-98927778-G-C.
Other names: c.1743G>C, p.Gln581His (NM_003276.2); c.565+2162G>C (NM_001307975.2, NM_001032284.3); short protein forms Q581H.
Identifiers: ClinVar variation 3684244 (VCV003684244.2).